The following is an entry in ClinVar:

NM_001142633.3(PIK3R5):c.2207G>T (p.Gly736Val)

Gene: PIK3R5 (phosphoinositide-3-kinase regulatory subunit 5; minus strand). Cytogenetic location: 17p13.1.
Variant type: single nucleotide variant.
Coding change: c.2207G>T on transcript NM_001142633.3 (MANE Select); coding-DNA position 2207, G replaced by T.
Protein change: p.Gly736Val; replaces glycine 736 with valine.
Molecular consequence: missense variant.
Genome position (GRCh38, 1-based): chr17:8,881,880, C>A on the plus strand (G>T on the coding strand, the complement: PIK3R5 is on the minus strand). VCF-style: chr17-8881880-C-A. GRCh37 (hg19) VCF-style: chr17-8785197-C-A.
Other names: c.1049G>T, p.Gly350Val (NM_001251851.2, NM_001251852.2, NM_001251853.2 and 4 more transcripts); c.2204G>T, p.Gly735Val (NM_001388396.1); c.1046G>T, p.Gly349Val (NM_001388400.1); c.2207G>T, p.Gly736Val (NM_014308.4); short protein forms G349V, G350V, G735V, G736V.
Identifiers: ClinVar variation 3233794 (VCV003233794.2), dbSNP rs1290267602, ClinGen allele CA398054510.

ClinVar aggregate classification (germline): Uncertain significance (1 of 4 stars; one submission).

Submission:

Women's Health and Genetics/Laboratory Corporation of America, LabCorp
Classification: Uncertain significance. Last evaluated: 2024-03-22. Review status: criteria provided, single submitter. Criteria: LabCorp Variant Classification Summary - May 2015. Collection method: clinical testing. Allele origin: germline.
Comment: Variant summary: PIK3R5 c.2207G>T (p.Gly736Val) results in a non-conservative amino acid change in the encoded protein sequence. Three of five in-silico tools predict a benign effect of the variant on protein function. Consensus agreement among computation tools predict no significant impact on normal splicing. However, these predictions have yet to be confirmed by functional studies. The variant was absent in 247012 control chromosomes. The available data on variant occurrences in the general population are insufficient to allow any conclusion about variant significance. To our knowledge, no occurrence of c.2207G>T in individuals affected with Ataxia with oculomotor apraxia type 3 and no experimental evidence demonstrating its impact on protein function have been reported. No submitters have cited clinical-significance assessments for this variant to ClinVar. Based on the evidence outlined above, the variant was classified as uncertain significance.